The following is an entry in ClinVar:

NM_032043.3(BRIP1):c.3627T>C (p.Ile1209=)

Gene: BRIP1 (BRCA1 interacting DNA helicase 1; minus strand). Cytogenetic location: 17q23.2.
Variant type: single nucleotide variant.
Coding change: c.3627T>C on transcript NM_032043.3 (MANE Select); coding-DNA position 3627, T replaced by C.
Protein change: p.Ile1209=; no amino-acid change (isoleucine 1209 retained).
Molecular consequence: synonymous variant.
Genome position (GRCh38, 1-based): chr17:61,683,419, A>G on the plus strand (T>C on the coding strand, the complement: BRIP1 is on the minus strand). VCF-style: chr17-61683419-A-G. GRCh37 (hg19) VCF-style: chr17-59760780-A-G.
Identifiers: ClinVar variation 3378597 (VCV003378597.1).

ClinVar aggregate classification (germline): Benign (1 of 4 stars; one submission).

Conditions:
Familial cancer of breast. Also called: hereditary breast carcinoma; Hereditary breast cancer; BREAST CANCER, FAMILIAL. Identifiers: Orphanet 227535, MedGen C0346153, MONDO:0016419, OMIM 114480. Disease mechanism: loss of function.

Submission:

Myriad Genetics, Inc.
Classification: Benign for Familial cancer of breast. Last evaluated: 2024-09-10. Review status: criteria provided, single submitter. Criteria: Myriad Autosomal Dominant, Autosomal Recessive and X-Linked Classification Criteria (2023). Collection method: clinical testing. Allele origin: unknown.
Comment: This variant is considered benign. This variant is a silent/synonymous amino acid change and it is not expected to impact splicing.